The following is an entry in ClinVar:

NM_000466.3(PEX1):c.1171_1183del (p.Leu391fs)

Gene: PEX1 (peroxisomal biogenesis factor 1; minus strand). Cytogenetic location: 7q21.2.
Variant type: Deletion.
Coding change: c.1171_1183del on transcript NM_000466.3 (MANE Select); coding-DNA positions 1171 to 1183, 13 bases deleted (CTTGAAGAATTGA).
Protein change: p.Leu391fs; shifts the reading frame from leucine 391.
Molecular consequence: frameshift variant.
Genome position (GRCh38, 1-based): chr7:92,517,332-92,517,344, TCAATTCTTCAAG deleted on the plus strand (CTTGAAGAATTGA on the coding strand, the reverse complement: PEX1 is on the minus strand); deleting any 13 consecutive bases within chr7:92,517,332-92,517,346 gives the same sequence; the c. name uses the placement nearest the transcript's 3' end. VCF-style (leftmost placement, unchanged base first): chr7-92517331-TTCAATTCTTCAAG-T. GRCh37 (hg19) VCF-style: chr7-92146645-TTCAATTCTTCAAG-T.
Other names: c.1171_1183del, p.Leu391fs (NM_001282677.2); c.547_559del, p.Leu183fs (NM_001282678.2); short protein forms L183fs, L391fs.
Identifiers: ClinVar variation 1947058 (VCV001947058.6), dbSNP rs2484701891, ClinGen allele CA2580077817.

ClinVar aggregate classification (germline): Pathogenic/Likely pathogenic. Review status: criteria provided, multiple submitters, no conflicts (2 of 4 stars). 2 submissions from 2 submitters: Pathogenic (1); Likely pathogenic (1). Last evaluated 2024-02-24.

Conditions:
Heimler syndrome 1 (HMLR1). Also called: PEROXISOME BIOGENESIS DISORDER 1C. Identifiers: Orphanet 3220, MedGen C4551980, OMIM 234580, MONDO:0024544.
Zellweger spectrum disorders (ZS). Also called: Zellweger Spectrum Disorder; Zellweger Spectrum; Zellweger Spectrum Disorder (ZSD); Zellweger syndrome. Identifiers: Orphanet 912, MedGen C0043459, MONDO:0019609.

Submissions (2):

Baylor Genetics
Classification: Likely pathogenic for Heimler syndrome 1. Last evaluated: 2024-02-24. Review status: criteria provided, single submitter. Criteria: ACMG Guidelines, 2015. Collection method: clinical testing. Allele origin: unknown.

Labcorp Genetics (formerly Invitae), Labcorp
Classification: Pathogenic for Zellweger spectrum disorders. Last evaluated: 2022-01-26. Review status: criteria provided, single submitter. Criteria: Invitae Variant Classification Sherloc (09022015). Collection method: clinical testing. Allele origin: germline.
Comment: This sequence change creates a premature translational stop signal (p.Leu391Thrfs*10) in the PEX1 gene. It is expected to result in an absent or disrupted protein product. Loss-of-function variants in PEX1 are known to be pathogenic (PMID: 9398847, 16086329, 16141001, 21031596, 26387595, 31831025). This variant is not present in population databases (gnomAD no frequency). This variant has not been reported in the literature in individuals affected with PEX1-related conditions. For these reasons, this variant has been classified as Pathogenic.

Literature cited by the submitters: PubMed 9398847 (cited by Labcorp Genetics (formerly Invitae), Labcorp); PubMed 16086329 (cited by Labcorp Genetics (formerly Invitae), Labcorp); PubMed 16141001 (cited by Labcorp Genetics (formerly Invitae), Labcorp); PubMed 21031596 (cited by Labcorp Genetics (formerly Invitae), Labcorp); PubMed 26387595 (cited by Labcorp Genetics (formerly Invitae), Labcorp); PubMed 31831025 (cited by Labcorp Genetics (formerly Invitae), Labcorp).